The following is an entry in ClinVar:

ClinVar aggregate classification (germline): Pathogenic. Review status: criteria provided, multiple submitters, no conflicts (2 of 4 stars). 2 submissions from 2 submitters: Pathogenic (2). Last evaluated 2019-07-06.

Conditions:
Renal cysts and diabetes syndrome (RCAD). Also called: Familial hypoplastic, glomerulocystic kidney; MATURITY-ONSET DIABETES OF THE YOUNG, TYPE 5. Identifiers: Orphanet 93111, MedGen C0431693, MONDO:0007669, OMIM 137920.

Submissions (2):

Institute of Human Genetics, FAU Erlangen, Friedrich-Alexander-Universität Erlangen-Nürnberg
Classification: Pathogenic for Renal cysts and diabetes syndrome. Last evaluated: 2019-07-06. Review status: criteria provided, single submitter. Criteria: ACMG Guidelines, 2015. Collection method: literature only. Allele origin: germline. Affected: yes.
Comment: This variant and it's classification has been reported by Vasileiou et al. 2019; DOI:10.1101/576918. The variants has previously been reported in ClinVar:224334 as "NM_000458.3(HNF1B):c.1132dupC (p.Gln378Profs)" with clinical significance Pathogenic. It has been re-classified using InterVar and manual curation as Pathogenic based on PVS1 PM2 PP3.

Lupski Lab, Baylor-Hopkins CMG, Baylor College of Medicine
Classification: Pathogenic for Renal cysts and diabetes syndrome. Review status: criteria provided, single submitter. Criteria: Bekheirnia et al. (Genet Med. 2016). Collection method: research. Allele origin: de novo. Inheritance: Autosomal dominant inheritance. Affected: yes. Observed: 1 heterozygote.

Literature cited by the submitters: DOI 10.1101/576918 (cited by Institute of Human Genetics, FAU Erlangen, Friedrich-Alexander-Universität Erlangen-Nürnberg).

NM_000458.4(HNF1B):c.1132dup (p.Gln378fs)

Gene: HNF1B (HNF1 homeobox B; minus strand). Cytogenetic location: 17q12.
Variant type: Duplication.
Coding change: c.1132dup on transcript NM_000458.4 (MANE Select); coding-DNA position 1132, one base duplicated (C; older notation c.1132dupC).
Protein change: p.Gln378fs; shifts the reading frame from glutamine 378.
Molecular consequence: frameshift variant.
Genome position (GRCh38, 1-based): chr17:37,710,577, G duplicated on the plus strand (C on the coding strand, the reverse complement: HNF1B is on the minus strand); the first of 2 consecutive G bases (chr17:37,710,577-37,710,578); duplicating either gives the same sequence. VCF-style (leftmost placement, unchanged base first): chr17-37710576-T-TG. GRCh37 (hg19) VCF-style: chr17-36070584-T-TG.
Other names: c.1054dup, p.Gln352fs (NM_001165923.4, NM_001304286.2); short protein forms Q352fs, Q378fs.
Identifiers: ClinVar variation 224334 (VCV000224334.3), dbSNP rs1057519371, ClinGen allele CA16044140.